The following is an entry in ClinVar:

ClinVar aggregate classification (germline): Likely pathogenic (1 of 4 stars; one submission).

Submission:

Labcorp Genetics (formerly Invitae), Labcorp
Classification: Likely pathogenic. Last evaluated: 2023-02-07. Review status: criteria provided, single submitter. Criteria: Invitae Variant Classification Sherloc (09022015). Collection method: clinical testing. Allele origin: germline.
Comment: This variant is not present in population databases (gnomAD no frequency). In summary, the currently available evidence indicates that the variant is pathogenic, but additional data are needed to prove that conclusively. Therefore, this variant has been classified as Likely Pathogenic. Algorithms developed to predict the effect of sequence changes on RNA splicing suggest that this variant may disrupt the consensus splice site. This variant has not been reported in the literature in individuals affected with PCDH15-related conditions. This sequence change affects a donor splice site in intron 28 of the PCDH15 gene. It is expected to disrupt RNA splicing. Variants that disrupt the donor or acceptor splice site typically lead to a loss of protein function (PMID: 16199547), and loss-of-function variants in PCDH15 are known to be pathogenic (PMID: 11398101, 11487575, 14570705).

Literature cited by the submitters: PubMed 16199547; PubMed 11398101; PubMed 11487575; PubMed 14570705.

NM_001384140.1(PCDH15):c.3806+1G>T

Gene: PCDH15 (protocadherin related 15; minus strand). Cytogenetic location: 10q21.1.
Variant type: single nucleotide variant.
Coding change: c.3806+1G>T on transcript NM_001384140.1 (MANE Select); the canonical splice donor site of the intron after coding-DNA position 3806, G replaced by T.
Molecular consequence: splice donor variant.
Genome position (GRCh38, 1-based): chr10:53,857,174, C>A on the plus strand (G>T on the coding strand, the complement: PCDH15 is on the minus strand). VCF-style: chr10-53857174-C-A. GRCh37 (hg19) VCF-style: chr10-55616934-C-A.
Other names: c.3806+1G>T (NM_001354420.2, NM_001354429.2, NM_001142772.2 and 4 more transcripts); c.3821+1G>T (NM_001142771.2, NM_001142763.2); c.3827+1G>T (NM_001354411.2); c.3842+1G>T (NM_001142769.3); c.3740+1G>T (NM_001354404.2, NM_001142773.2, NM_001142768.2); c.3695+1G>T (NM_001142767.2); c.3593+1G>T (NM_001142765.2).
Identifiers: ClinVar variation 2835148 (VCV002835148.3), dbSNP rs1554833227, ClinGen allele CA376514244.